The following is an entry in ClinVar:

ClinVar aggregate classification (germline): Likely benign. Review status: criteria provided, single submitter (1 of 4 stars). 2 submissions from 2 submitters: Likely benign (1). 1 of the submissions does not count toward it. Last evaluated 2022-02-08.

Conditions:
GTPBP2-related disorder. Also called: GTPBP2-related condition.

Allele frequency attached by ClinVar (database versions not stated): gnomAD exomes 0.00001; ExAC 0.00006; ESP Exome Variant Server 0.00008; gnomAD 0.00017; TOPMed 0.00022.
gnomAD v4.1: 44 of 1,614,034 alleles (0.0027%); highest among the groups gnomAD compares: African/African-American, 0.056%; no homozygotes.

Submissions (2):

Labcorp Genetics (formerly Invitae), Labcorp
Classification: Likely benign. Last evaluated: 2022-02-08. Review status: criteria provided, single submitter. Criteria: Invitae Variant Classification Sherloc (09022015). Collection method: clinical testing. Allele origin: germline.

PreventionGenetics, part of Exact Sciences
Classification: Likely benign for GTPBP2-related condition. Last evaluated: 2019-08-28. Review status: no assertion criteria provided. Collection method: clinical testing. Allele origin: germline. Not counted in ClinVar's aggregate classification.
Comment: This variant is classified as likely benign based on ACMG/AMP sequence variant interpretation guidelines (Richards et al. 2015 PMID: 25741868, with internal and published modifications).

NM_019096.5(GTPBP2):c.1629C>G (p.Ala543=)

Gene: GTPBP2 (GTP binding protein 2; minus strand). Cytogenetic location: 6p21.1.
Variant type: single nucleotide variant.
Coding change: c.1629C>G on transcript NM_019096.5 (MANE Select); coding-DNA position 1629, C replaced by G.
Protein change: p.Ala543=; no amino-acid change (alanine 543 retained).
Molecular consequence: synonymous variant.
Genome position (GRCh38, 1-based): chr6:43,622,006, G>C on the plus strand (C>G on the coding strand, the complement: GTPBP2 is on the minus strand). VCF-style: chr6-43622006-G-C. GRCh37 (hg19) VCF-style: chr6-43589743-G-C.
Other names: c.1365C>G, p.Ala455= (NM_001286216.2).
Identifiers: ClinVar variation 2427863 (VCV002427863.45), dbSNP rs141450600, ClinGen allele CA3827506.